The following is an entry in ClinVar:

NM_005902.4(SMAD3):c.229G>T (p.Val77Leu)

Gene: SMAD3 (SMAD family member 3; plus strand). Cytogenetic location: 15q22.33.
Variant type: single nucleotide variant.
Coding change: c.229G>T on transcript NM_005902.4 (MANE Select); coding-DNA position 229, G replaced by T.
Protein change: p.Val77Leu; replaces valine 77 with leucine.
Molecular consequence: missense variant. On other transcripts: 5 prime UTR variant (1).
Genome position (GRCh38, 1-based): chr15:67,164,917, G>T. VCF-style: chr15-67164917-G-T. GRCh37 (hg19) VCF-style: chr15-67457255-G-T.
Other names: c.-87G>T (NM_001145102.2, NM_001407015.1, NM_001407016.1); c.97G>T, p.Val33Leu (NM_001145103.2); c.229G>T, p.Val77Leu (NM_001407011.1, NM_001407012.1, NM_001407013.1); c.82G>T, p.Val28Leu (NM_001407014.1); short protein forms V28L, V33L, V77L.
Identifiers: ClinVar variation 1718347 (VCV001718347.5), dbSNP rs779576954, ClinGen allele CA392953518.

ClinVar aggregate classification (germline): Uncertain significance (1 of 4 stars; one submission).

Conditions:
Familial thoracic aortic aneurysm and aortic dissection (TAAD). Also called: Thoracic aortic aneurysms and dissections. Identifiers: Orphanet 91387, MedGen C4707243, MONDO:0019625.

Allele frequency attached by ClinVar (database versions not stated): gnomAD exomes below 0.00001.
gnomAD v4.1: 1 of 1,613,248 alleles (0.000062%); highest among the groups gnomAD compares: Non-Finnish European, 0.000085%; no homozygotes.

Submission:

Labcorp Genetics (formerly Invitae), Labcorp
Classification: Uncertain significance for Familial thoracic aortic aneurysm and aortic dissection. Last evaluated: 2022-09-06. Review status: criteria provided, single submitter. Criteria: Invitae Variant Classification Sherloc (09022015). Collection method: clinical testing. Allele origin: germline.
Comment: In summary, the available evidence is currently insufficient to determine the role of this variant in disease. Therefore, it has been classified as a Variant of Uncertain Significance. Advanced modeling of protein sequence and biophysical properties (such as structural, functional, and spatial information, amino acid conservation, physicochemical variation, residue mobility, and thermodynamic stability) performed at Invitae indicates that this missense variant is not expected to disrupt SMAD3 protein function. This variant has not been reported in the literature in individuals affected with SMAD3-related conditions. This variant is not present in population databases (gnomAD no frequency). This sequence change replaces valine, which is neutral and non-polar, with leucine, which is neutral and non-polar, at codon 77 of the SMAD3 protein (p.Val77Leu).